The following is an entry in ClinVar:

ClinVar aggregate classification (germline): Benign/Likely benign. Review status: criteria provided, multiple submitters, no conflicts (2 of 4 stars). 3 submissions from 3 submitters: Benign (1); Likely benign (2). Last evaluated 2025-06-19.

Conditions:
Tuberous sclerosis syndrome (TSC). Also called: Tuberous sclerosis; Tuberous Sclerosis Complex. Identifiers: Orphanet 805, MedGen C0041341, MONDO:0001734.
Tuberous sclerosis 2 (TSC2). Identifiers: Orphanet 805, MedGen C1860707, MONDO:0013199, OMIM 613254.

Allele frequency attached by ClinVar (database versions not stated): gnomAD exomes below 0.00001.

Submissions (3):

Labcorp Genetics (formerly Invitae), Labcorp
Classification: Likely benign for Tuberous sclerosis 2. Last evaluated: 2025-06-19. Review status: criteria provided, single submitter. Criteria: Invitae Variant Classification Sherloc (09022015). Collection method: clinical testing. Allele origin: germline.

Myriad Genetics, Inc.
Classification: Benign for Tuberous sclerosis 2. Last evaluated: 2025-06-02. Review status: criteria provided, single submitter. Criteria: Myriad Autosomal Dominant, Autosomal Recessive and X-Linked Classification Criteria (2023). Collection method: clinical testing. Allele origin: unknown.
Comment: This variant is considered benign. This variant is a silent/synonymous amino acid change and it is not expected to impact splicing.

All of Us Research Program, National Institutes of Health
Classification: Likely benign for Tuberous sclerosis syndrome. Last evaluated: 2023-08-15. Review status: criteria provided, single submitter. Criteria: ACMG Guidelines, 2015. Collection method: clinical testing. Allele origin: germline. Inheritance: Autosomal dominant inheritance. Observed: 1 variant allele, 1 heterozygote.
Comment: This study involves interpretation of variants in research participants for the purpose of population health screening. Participant phenotype was not available at the time of variant classification. Additional details can be found in publication PMID: 35346344, PMCID: PMC8962531

NM_000548.5(TSC2):c.4122C>G (p.Leu1374=)

Gene: TSC2 (TSC complex subunit 2; plus strand). Cytogenetic location: 16p13.3.
Variant type: single nucleotide variant.
Coding change: c.4122C>G on transcript NM_000548.5 (MANE Select); coding-DNA position 4122, C replaced by G.
Protein change: p.Leu1374=; no amino-acid change (leucine 1374 retained).
Molecular consequence: synonymous variant. On other transcripts: non-coding transcript variant (5).
Genome position (GRCh38, 1-based): chr16:2,084,344, C>G. VCF-style: chr16-2084344-C-G. GRCh37 (hg19) VCF-style: chr16-2134345-C-G.
Other names: c.3921C>G, p.Leu1307= (NM_001077183.3); c.4053C>G, p.Leu1351= (NM_001114382.3); c.3813C>G, p.Leu1271= (NM_001318827.2); c.3777C>G, p.Leu1259= (NM_001318829.2); c.3390C>G, p.Leu1130= (NM_001318831.2); c.3954C>G, p.Leu1318= (NM_001318832.2); c.3924C>G, p.Leu1308= (NM_001363528.2); c.3990C>G, p.Leu1330= (NM_001370404.1); and 26 more.
Identifiers: ClinVar variation 2879013 (VCV002879013.5), dbSNP rs2544261338, ClinGen allele CA493043267.